The following is an entry in ClinVar:

NM_000075.4(CDK4):c.55A>G (p.Thr19Ala)

Gene: CDK4 (cyclin dependent kinase 4; minus strand). Cytogenetic location: 12q14.1.
Variant type: single nucleotide variant.
Coding change: c.55A>G on transcript NM_000075.4 (MANE Select); coding-DNA position 55, A replaced by G.
Protein change: p.Thr19Ala; replaces threonine 19 with alanine.
Molecular consequence: missense variant.
Genome position (GRCh38, 1-based): chr12:57,751,663, T>C on the plus strand (A>G on the coding strand, the complement: CDK4 is on the minus strand). VCF-style: chr12-57751663-T-C. GRCh37 (hg19) VCF-style: chr12-58145446-T-C.
Other names: short protein forms T19A.
Identifiers: ClinVar variation 951400 (VCV000951400.12), dbSNP rs1595111197, ClinGen allele CA385549087.

ClinVar aggregate classification (germline): Uncertain significance. Review status: criteria provided, multiple submitters, no conflicts (2 of 4 stars). 2 submissions from 2 submitters: Uncertain significance (2). Last evaluated 2026-01-31.

Conditions:
Familial melanoma. Also called: Hereditary melanoma; Hereditary cutaneous melanoma. Identifiers: Orphanet 618, MedGen C1512419, MONDO:0018961.
Hereditary cancer-predisposing syndrome. Also called: Tumor predisposition; Hereditary neoplastic syndrome; Neoplastic Syndromes, Hereditary; Hereditary Cancer Syndrome. Identifiers: Orphanet 140162, MedGen C0027672, MeSH D009386, MONDO:0015356.

Submissions (2):

Labcorp Genetics (formerly Invitae), Labcorp
Classification: Uncertain significance for Familial melanoma. Last evaluated: 2026-01-31. Review status: criteria provided, single submitter. Criteria: Invitae Variant Classification Sherloc (09022015). Collection method: clinical testing. Allele origin: germline.
Comment: This sequence change replaces threonine, which is neutral and polar, with alanine, which is neutral and non-polar, at codon 19 of the CDK4 protein (p.Thr19Ala). This variant is not present in population databases (gnomAD no frequency). This variant has not been reported in the literature in individuals affected with CDK4-related conditions. ClinVar contains an entry for this variant (Variation ID: 951400). Invitae Evidence Modeling of protein sequence and biophysical properties (such as structural, functional, and spatial information, amino acid conservation, physicochemical variation, residue mobility, and thermodynamic stability) indicates that this missense variant is not expected to disrupt CDK4 protein function with a negative predictive value of 95%. In summary, the available evidence is currently insufficient to determine the role of this variant in disease. Therefore, it has been classified as a Variant of Uncertain Significance.

Ambry Genetics
Classification: Uncertain significance for Hereditary cancer-predisposing syndrome. Last evaluated: 2022-10-03. Review status: criteria provided, single submitter. Criteria: Ambry Variant Classification Scheme 2023. Collection method: clinical testing. Allele origin: germline.
Comment: The p.T19A variant (also known as c.55A>G), located in coding exon 1 of the CDK4 gene, results from an A to G substitution at nucleotide position 55. The threonine at codon 19 is replaced by alanine, an amino acid with similar properties. This amino acid position is conserved. In addition, the in silico prediction for this alteration is inconclusive. Since supporting evidence is limited at this time, the clinical significance of this alteration remains unclear.